The following is an entry in ClinVar:

NM_000083.3(CLCN1):c.2692G>A (p.Gly898Arg)

Gene: CLCN1 (chloride voltage-gated channel 1; plus strand). Cytogenetic location: 7q34.
Variant type: single nucleotide variant.
Coding change: c.2692G>A on transcript NM_000083.3 (MANE Select); coding-DNA position 2692, G replaced by A.
Protein change: p.Gly898Arg; replaces glycine 898 with arginine.
Molecular consequence: missense variant. On other transcripts: non-coding transcript variant (1).
Genome position (GRCh38, 1-based): chr7:143,351,690, G>A. VCF-style: chr7-143351690-G-A. GRCh37 (hg19) VCF-style: chr7-143048783-G-A.
Other names: short protein forms G898R.
Identifiers: ClinVar variation 2428480 (VCV002428480.3), dbSNP rs746734545, ClinGen allele CA4537769.

ClinVar aggregate classification (germline): Uncertain significance (1 of 4 stars; one submission).

Conditions:
Congenital myotonia, autosomal recessive form. Also called: Becker Generalized Myotonia; BECKER DISEASE; myotonia congenita, autosomal recessive. Identifiers: Orphanet 614, MedGen C0751360, MONDO:0009715, OMIM 255700.
Congenital myotonia, autosomal dominant form (THD). Also called: THOMSEN DISEASE; Myotonia congenita autosomal dominant. Identifiers: Orphanet 614, MedGen C2936781, MONDO:0008055, OMIM 160800.

Allele frequency attached by ClinVar (database versions not stated): gnomAD 0.00001; gnomAD exomes 0.00001; TOPMed 0.00002; ExAC 0.00005.

Submission:

Labcorp Genetics (formerly Invitae), Labcorp
Classification: Uncertain significance for Congenital myotonia, autosomal recessive form; Congenital myotonia, autosomal dominant form. Last evaluated: 2022-06-04. Review status: criteria provided, single submitter. Criteria: Invitae Variant Classification Sherloc (09022015). Collection method: clinical testing. Allele origin: germline.
Comment: This sequence change replaces glycine, which is neutral and non-polar, with arginine, which is basic and polar, at codon 898 of the CLCN1 protein (p.Gly898Arg). This variant is present in population databases (rs746734545, gnomAD 0.04%). This variant has not been reported in the literature in individuals affected with CLCN1-related conditions. Advanced modeling of protein sequence and biophysical properties (such as structural, functional, and spatial information, amino acid conservation, physicochemical variation, residue mobility, and thermodynamic stability) performed at Invitae indicates that this missense variant is not expected to disrupt CLCN1 protein function. In summary, the available evidence is currently insufficient to determine the role of this variant in disease. Therefore, it has been classified as a Variant of Uncertain Significance.